The following is an entry in ClinVar:

ClinVar aggregate classification (germline): Pathogenic (1 of 4 stars; one submission).

Conditions:
Polycystic kidney disease, adult type (PKD1). Also called: POLYCYSTIC KIDNEY DISEASE, ADULT, TYPE I; Polycystic Kidney Disease 1, Autosomal Dominant; Polycystic kidney disease 1; Polycystic kidney disease 1, severe; Polycystic Kidney, Autosomal Dominant; POLYCYSTIC KIDNEY DISEASE 1 WITH OR WITHOUT POLYCYSTIC LIVER DISEASE. Identifiers: MedGen C3149841, MONDO:0008263, OMIM 173900.

Submission:

Victorian Clinical Genetics Services, Murdoch Childrens Research Institute
Classification: Pathogenic for Polycystic kidney disease, adult type. Last evaluated: 2024-10-08. Review status: criteria provided, single submitter. Criteria: ACMG Guidelines, 2015. Collection method: clinical testing. Allele origin: germline. Inheritance: Autosomal dominant inheritance. Affected: yes.
Comment: Based on the classification scheme VCGS_Germline_v1.3.4, this variant is classified as Pathogenic. Following criteria are met: 0102 - Loss of function is a known mechanism of disease in this gene and is associated with polycystic kidney disease 1 (MIM#173900). (I) 0107 - This gene is associated with autosomal dominant disease. Polycystic kidney disease 1 (MIM#173900) is predominantly caused by monoallelic variants, with rare reports of biallelic variants causing disease (OMIM). (I) 0201 - Variant is predicted to cause nonsense-mediated decay (NMD) and loss of protein (premature termination codon is located at least 54 nucleotides upstream of the final exon-exon junction). (SP) 0251 - This variant is heterozygous. (I) 0301 - Variant is absent from gnomAD (both v2 and v3). (SP) 0701 - Other NMD predicted variants comparable to the one identified in this case have very strong previous evidence for pathogenicity (DECIPHER). (SP) 0807 - This variant has no previous evidence of pathogenicity. (I) 0905 - No published segregation evidence has been identified for this variant. (I) 1007 - No published functional evidence has been identified for this variant. (I) 1208 - Inheritance information for this variant is not currently available in this individual. (I) Legend: (SP) - Supporting pathogenic, (I) - Information, (SB) - Supporting benign

NM_001009944.3(PKD1):c.4825dup (p.Ile1609fs)

Gene: PKD1 (polycystin 1, transient receptor potential channel interacting; minus strand). Cytogenetic location: 16p13.3.
Variant type: Duplication.
Coding change: c.4825dup on transcript NM_001009944.3 (MANE Select); coding-DNA position 4825, one base duplicated (A; older notation c.4825dupA).
Protein change: p.Ile1609fs; shifts the reading frame from isoleucine 1609.
Molecular consequence: frameshift variant.
Genome position (GRCh38, 1-based): chr16:2,110,342, T duplicated on the plus strand (A on the coding strand, the reverse complement: PKD1 is on the minus strand). VCF-style (leftmost placement, unchanged base first): chr16-2110341-A-AT. GRCh37 (hg19) VCF-style: chr16-2160342-A-AT.
Other names: c.4825dup, p.Ile1609fs (NM_000296.4); c.4825dupA (NM_001009944.2); short protein forms I1609fs.
Identifiers: ClinVar variation 3376955 (VCV003376955.1).